The following is an entry in ClinVar:

NM_001273.5(CHD4):c.3599G>A (p.Arg1200Gln)

Gene: CHD4 (chromodomain helicase DNA binding protein 4; minus strand). Cytogenetic location: 12p13.31.
Variant type: single nucleotide variant.
Coding change: c.3599G>A on transcript NM_001273.5 (MANE Select); coding-DNA position 3599, G replaced by A.
Protein change: p.Arg1200Gln; replaces arginine 1200 with glutamine.
Molecular consequence: missense variant.
Genome position (GRCh38, 1-based): chr12:6,587,816, C>T on the plus strand (G>A on the coding strand, the complement: CHD4 is on the minus strand). VCF-style: chr12-6587816-C-T. GRCh37 (hg19) VCF-style: chr12-6696982-C-T.
Other names: c.3578G>A, p.Arg1193Gln (NM_001297553.2); c.3560G>A, p.Arg1187Gln (NM_001363606.2); short protein forms R1187Q, R1193Q, R1200Q.
Identifiers: ClinVar variation 3375907 (VCV003375907.1).

ClinVar aggregate classification (germline): Uncertain significance (1 of 4 stars; one submission).

Submission:

GeneDx
Classification: Uncertain significance. Last evaluated: 2024-05-02. Review status: criteria provided, single submitter. Criteria: GeneDx Variant Classification Process June 2021. Collection method: clinical testing. Allele origin: germline. Affected: yes.
Comment: Not observed at significant frequency in large population cohorts (gnomAD); In silico analysis supports that this missense variant has a deleterious effect on protein structure/function; Has not been previously published as pathogenic or benign to our knowledge